The following is an entry in ClinVar:

NM_006086.4(TUBB3):c.185G>A (p.Arg62Gln)

Gene: TUBB3 (tubulin beta 3 class III; plus strand). Cytogenetic location: 16q24.3.
Variant type: single nucleotide variant.
Coding change: c.185G>A on transcript NM_006086.4 (MANE Select); coding-DNA position 185, G replaced by A.
Protein change: p.Arg62Gln; replaces arginine 62 with glutamine.
Molecular consequence: missense variant. On other transcripts: 5 prime UTR variant (1).
Genome position (GRCh38, 1-based): chr16:89,933,486, G>A. VCF-style: chr16-89933486-G-A. GRCh37 (hg19) VCF-style: chr16-89999894-G-A.
Other names: c.-32G>A (NM_001197181.2); short protein forms R62Q.
Identifiers: ClinVar variation 219254 (VCV000219254.11), dbSNP rs864321714, ClinGen allele CA347966.
Genomic context (GRCh38, chr16:89,933,486, plus strand): 5'-GCCCTCTGTGACCCGAATCACCGAGCCCCTCTCTCCCCTCAGCTCACAAGTACGTGCCTC[G>A]AGCCATTCTGGTGGACCTGGAACCCGGAACCATGGACAGTGTCCGCTCAGGGGCCTTTGG-3'
Protein context (NP_006077.2, residues 52-72): NEASSHKYVP[Arg62Gln]AILVDLEPGT

ClinVar aggregate classification (germline): Likely pathogenic. Review status: criteria provided, single submitter (1 of 4 stars). 2 submissions from 2 submitters: Likely pathogenic (1). 1 of the submissions does not count toward it. Last evaluated 2025-04-01.

Conditions:
Fibrosis of extraocular muscles, congenital, 3A, with or without extraocular involvement. Also called: CONGENITAL FIBROSIS OF EXTRAOCULAR MUSCLES 3A; FEOM3 LOCUS. Identifiers: MedGen C2748801, MONDO:0010912, OMIM 600638.

Allele frequency attached by ClinVar (database versions not stated): gnomAD exomes below 0.00001.

Submissions (2):

CeGaT Center for Human Genetics Tuebingen
Classification: Likely pathogenic. Last evaluated: 2025-04-01. Review status: criteria provided, single submitter. Criteria: CeGaT Center For Human Genetics Tuebingen Variant Classification Criteria Version 2. Collection method: clinical testing. Allele origin: germline. Affected: yes. Observed: 1 variant allele.
Comment: TUBB3: PM2, PP2, PP3, PS3:Supporting, PS4:Supporting

GeneReviews
No classification provided. Condition: Fibrosis of extraocular muscles, congenital, 3A, with or without extraocular involvement. Review status: no classification provided. Collection method: literature only. Allele origin: germline. Not counted in ClinVar's aggregate classification.

Literature cited by the submitters: PubMed 20074521 (cited by GeneReviews); PubMed 20301522 (cited by GeneReviews).